The following is an entry in ClinVar:

ClinVar aggregate classification (germline): Likely benign (0 of 4 stars; one submission).

Conditions:
TEX14-related disorder. Also called: TEX14-related condition.

gnomAD v4.1: 367 of 1,613,428 alleles (0.023%); highest among the groups gnomAD compares: African/African-American, 0.38%; 1 homozygote.

Submission:

PreventionGenetics, part of Exact Sciences
Classification: Likely benign for TEX14-related condition. Last evaluated: 2024-08-30. Review status: no assertion criteria provided. Collection method: clinical testing. Allele origin: germline.
Comment: This variant is classified as likely benign based on ACMG/AMP sequence variant interpretation guidelines (Richards et al. 2015 PMID: 25741868, with internal and published modifications).

NM_031272.5(TEX14):c.355G>A (p.Asp119Asn)

Gene: TEX14 (testis expressed 14, intercellular bridge forming factor; minus strand). Cytogenetic location: 17q22.
Variant type: single nucleotide variant.
Coding change: c.355G>A on transcript NM_031272.5 (MANE Select); coding-DNA position 355, G replaced by A.
Protein change: p.Asp119Asn; replaces aspartic acid 119 with asparagine.
Molecular consequence: missense variant.
Genome position (GRCh38, 1-based): chr17:58,622,909, C>T on the plus strand (G>A on the coding strand, the complement: TEX14 is on the minus strand). VCF-style: chr17-58622909-C-T. GRCh37 (hg19) VCF-style: chr17-56700270-C-T.
Other names: c.355G>A, p.Asp119Asn (NM_001201457.2, NM_198393.4); short protein forms D119N.
Identifiers: ClinVar variation 3354210 (VCV003354210.1).